The following is an entry in ClinVar:

ClinVar aggregate classification (germline): Uncertain significance. Review status: criteria provided, multiple submitters, no conflicts (2 of 4 stars). 3 submissions from 3 submitters: Uncertain significance (3). Last evaluated 2024-12-03.

Conditions:
Inborn genetic diseases. Identifiers: MedGen C0950123, MeSH D030342.
Charcot-Marie-Tooth disease axonal type 2V. Also called: CHARCOT-MARIE-TOOTH NEUROPATHY, TYPE 2V; CHARCOT-MARIE-TOOTH DISEASE, AXONAL, AUTOSOMAL DOMINANT, TYPE 2V. Identifiers: Orphanet 447964, MedGen C5569050, MONDO:0014665, OMIM 616491.
Mucopolysaccharidosis, MPS-III-B (MPS3B). Also called: MPS IIIB (Sanfilippo Syndrome Type B); N-ACETYL-ALPHA-D-GLUCOSAMINIDASE DEFICIENCY; NAGLU DEFICIENCY; MUCOPOLYSACCHARIDOSIS, TYPE IIIB; Mucopolysaccharidosis type IIIB (Sanfilippo B); SANFILIPPO SYNDROME B. Identifiers: Orphanet 79270, MedGen C0086648, MONDO:0009656, OMIM 252920.

Allele frequency attached by ClinVar (database versions not stated): gnomAD 0.00001; TOPMed 0.00001.
gnomAD v4.1: 2 of 1,613,114 alleles (0.00012%); highest among the groups gnomAD compares: African/African-American, 0.0013%; no homozygotes.

Submissions (3):

Ambry Genetics
Classification: Uncertain significance for Inborn genetic diseases. Last evaluated: 2024-12-03. Review status: criteria provided, single submitter. Criteria: Ambry Variant Classification Scheme 2023. Collection method: clinical testing. Allele origin: germline.

Women's Health and Genetics/Laboratory Corporation of America, LabCorp
Classification: Uncertain significance. Last evaluated: 2024-09-05. Review status: criteria provided, single submitter. Criteria: LabCorp Variant Classification Summary - May 2015. Collection method: clinical testing. Allele origin: germline.
Comment: Variant summary: NAGLU c.1660C>T (p.Pro554Ser) results in a non-conservative amino acid change located in the Alpha-N-acetylglucosaminidase, C-terminal domain (IPR024732) of the encoded protein sequence. Three of five in-silico tools predict a damaging effect of the variant on protein function. The variant was absent in 248144 control chromosomes (gnomAD). The available data on variant occurrences in the general population are insufficient to allow any conclusion about variant significance. To our knowledge, no occurrence of c.1660C>T in individuals affected with Mucopolysaccharidosis Type IIIB (Sanfilippo Syndrome B) and no experimental evidence demonstrating its impact on protein function have been reported. ClinVar contains an entry for this variant (Variation ID: 1399524). Based on the evidence outlined above, the variant was classified as uncertain significance.

Labcorp Genetics (formerly Invitae), Labcorp
Classification: Uncertain significance for Charcot-Marie-Tooth disease axonal type 2V; Mucopolysaccharidosis, MPS-III-B. Last evaluated: 2024-01-22. Review status: criteria provided, single submitter. Criteria: Invitae Variant Classification Sherloc (09022015). Collection method: clinical testing. Allele origin: germline.
Comment: This sequence change replaces proline, which is neutral and non-polar, with serine, which is neutral and polar, at codon 554 of the NAGLU protein (p.Pro554Ser). This variant is not present in population databases (gnomAD no frequency). This variant has not been reported in the literature in individuals affected with NAGLU-related conditions. ClinVar contains an entry for this variant (Variation ID: 1399524). Advanced modeling of protein sequence and biophysical properties (such as structural, functional, and spatial information, amino acid conservation, physicochemical variation, residue mobility, and thermodynamic stability) performed at Invitae indicates that this missense variant is expected to disrupt NAGLU protein function with a positive predictive value of 95%. In summary, the available evidence is currently insufficient to determine the role of this variant in disease. Therefore, it has been classified as a Variant of Uncertain Significance.

NM_000263.4(NAGLU):c.1660C>T (p.Pro554Ser)

Gene: NAGLU (N-acetyl-alpha-glucosaminidase; plus strand). Cytogenetic location: 17q21.2.
Variant type: single nucleotide variant.
Coding change: c.1660C>T on transcript NM_000263.4 (MANE Select); coding-DNA position 1660, C replaced by T.
Protein change: p.Pro554Ser; replaces proline 554 with serine.
Molecular consequence: missense variant.
Genome position (GRCh38, 1-based): chr17:42,543,666, C>T. VCF-style: chr17-42543666-C-T. GRCh37 (hg19) VCF-style: chr17-40695684-C-T.
Other names: c.1660C>T (NM_000263.3); short protein forms P554S.
Identifiers: ClinVar variation 1399524 (VCV001399524.11), dbSNP rs1049965915, ClinGen allele CA290780903.